The following is an entry in ClinVar:

NM_001164508.2(NEB):c.25141_25142del (p.Met8381fs)

Genes: NEB (nebulin; minus strand), RIF1 (replication timing regulatory factor 1; plus strand). Cytogenetic location: 2q23.3.
Variant type: Deletion.
Coding change: c.25141_25142del on transcript NM_001164508.2 (MANE Select); coding-DNA positions 25141 to 25142, 2 bases deleted (AT; older notation c.25141_25142delAT).
Protein change: p.Met8381fs; shifts the reading frame from methionine 8381.
Molecular consequence: frameshift variant.
Genome position (GRCh38, 1-based): chr2:151,491,691-151,491,692, AT deleted on the plus strand (AT on the coding strand, the reverse complement: NEB is on the minus strand). VCF-style (leftmost placement, unchanged base first): chr2-151491690-CAT-C. GRCh37 (hg19) VCF-style: chr2-152348204-CAT-C.
Other names: NM_001164508.2(NEB):c.25141_25142del; p.Met8381fs; c.25246_25247del (NM_001271208.1); c.25141_25142del, p.Met8381fs (NM_001164507.2); c.25246_25247del, p.Met8416fs (NM_001271208.2); c.19573_19574del, p.Met6525fs (NM_004543.5); short protein forms M6525fs, M8381fs, M8416fs.
Identifiers: ClinVar variation 502672 (VCV000502672.13), dbSNP rs1472403020, ClinGen allele CA658795871.

ClinVar aggregate classification (germline): Pathogenic/Likely pathogenic. Review status: criteria provided, multiple submitters, no conflicts (2 of 4 stars). 6 submissions from 6 submitters: Pathogenic (2); Likely pathogenic (4). Last evaluated 2025-12-09.

Conditions:
Arthrogryposis multiplex congenita 6. Identifiers: MedGen C5543431, MONDO:0030281, OMIM 619334.
Nemaline myopathy 2 (NEM2). Also called: Nemaline myopathy 2, autosomal recessive. Identifiers: MedGen C1850569, MONDO:0009725, OMIM 256030.
Nemaline myopathy. Also called: Myopathies, Nemaline. Identifiers: Orphanet 607, MedGen C0206157, MONDO:0018958.
NEB-related disorder. Also called: NEB-Related Disorders; NEB-related condition.

Allele frequency attached by ClinVar (database versions not stated): gnomAD exomes below 0.00001; TOPMed below 0.00001; gnomAD 0.00001.

Submissions (6):

Labcorp Genetics (formerly Invitae), Labcorp
Classification: Pathogenic for Nemaline myopathy 2. Last evaluated: 2025-12-09. Review status: criteria provided, single submitter. Criteria: Invitae Variant Classification Sherloc (09022015). Collection method: clinical testing. Allele origin: germline.
Comment: This sequence change creates a premature translational stop signal (p.Met8416Aspfs*2) in the NEB gene. It is expected to result in an absent or disrupted protein product. Loss-of-function variants in NEB are known to be pathogenic (PMID: 25205138). This variant is not present in population databases (gnomAD no frequency). This variant has not been reported in the literature in individuals affected with NEB-related conditions. ClinVar contains an entry for this variant (Variation ID: 502672). For these reasons, this variant has been classified as Pathogenic.

Broad Center for Mendelian Genomics, Broad Institute of MIT and Harvard
Classification: Likely pathogenic for Nemaline myopathy. Last evaluated: 2025-02-24. Review status: criteria provided, single submitter. Criteria: ACMG Guidelines, 2015. Collection method: curation. Allele origin: germline. Inheritance: Autosomal recessive inheritance.
Comment: The p.Met8381Aspfs variant in NEB has not been previously reported in the literature in individuals with nemaline myopathy, but has been identified in 0.001% (1/74494) of African/African American chromosomes by the Genome Aggregation Database (gnomAD; dbSNP ID: rs1472403020). Although this variant has been seen in the general population in a heterozygous state, its frequency is low enough to be consistent with a recessive carrier frequency. This variant has also been reported in ClinVar (Variation ID: 502672 ) and has been interpreted as pathogenic by Eurofins Ntd Llc (ga) and Invitae, and likely pathogenic by Baylor Genetics. This variant is predicted to cause a frameshift, which alters the protein‚Äôs amino acid sequence beginning at position 8381 and leads to a premature termination codon 2 amino acids downstream. This alteration is then predicted to lead to a truncated or absent protein. Loss of function of the NEB gene is an established disease mechanism in autosomal recessive nemaline myopathy. In summary, although additional studies are required to fully establish its clinical significance, this variant is likely pathogenic for autosomal recessive nemaline myopathy. ACMG/AMP Criteria applied: PVS1, PM2_supporting (Richards 2015).

Natera, Inc.
Classification: Likely pathogenic for Nemaline myopathy type 2. Last evaluated: 2024-11-18. Review status: criteria provided, single submitter. Criteria: Natera Variant Classification Schema (03/2026). Collection method: clinical testing. Allele origin: germline.
Comment: The c.25246_25247del variant in NEB is a frameshift variant predicted to shift the reading frame beginning at codon 8416 and leads to a stop codon 2 codons downstream. This variant is expected to result in nonsense mediated decay, truncation, or a dysfunctional protein product. This variant is rare in the general population with a frequency below the threshold expected for the associated phenotype(s). Given the available evidence, this variant is classified as Likely Pathogenic.

Greenwood Genetic Center Diagnostic Laboratories, Greenwood Genetic Center
Classification: Likely pathogenic for NEB-related disorder. Last evaluated: 2024-04-10. Review status: criteria provided, single submitter. Criteria: ACMG Guidelines, 2015. Collection method: clinical testing. Allele origin: germline. Affected: yes.
Comment: PVS1, PM2

Baylor Genetics
Classification: Likely pathogenic for Arthrogryposis multiplex congenita 6. Last evaluated: 2024-02-05. Review status: criteria provided, single submitter. Criteria: ACMG Guidelines, 2015. Collection method: clinical testing. Allele origin: unknown.

Eurofins Ntd Llc (ga)
Classification: Pathogenic. Last evaluated: 2017-06-27. Review status: criteria provided, single submitter. Criteria: EGL Classification Definitions 2015. Collection method: clinical testing. Allele origin: germline. Observed: 1 variant allele, 1 heterozygote.

Literature cited by the submitters: PubMed 25205138 (cited by Labcorp Genetics (formerly Invitae), Labcorp).